The following is an entry in ClinVar:

ClinVar aggregate classification (germline): Uncertain significance. Review status: criteria provided, multiple submitters, no conflicts (2 of 4 stars). 2 submissions from 2 submitters: Uncertain significance (2). Last evaluated 2024-03-13.

Conditions:
Familial melanoma. Also called: Hereditary melanoma; Hereditary cutaneous melanoma. Identifiers: Orphanet 618, MedGen C1512419, MONDO:0018961.
Hereditary cancer-predisposing syndrome. Also called: Hereditary Cancer Syndrome; Tumor predisposition; Hereditary neoplastic syndrome; Neoplastic Syndromes, Hereditary. Identifiers: Orphanet 140162, MedGen C0027672, MeSH D009386, MONDO:0015356.

Submissions (2):

Ambry Genetics
Classification: Uncertain significance for Hereditary cancer-predisposing syndrome. Last evaluated: 2024-03-13. Review status: criteria provided, single submitter. Criteria: Ambry Variant Classification Scheme 2023. Collection method: clinical testing. Allele origin: germline.
Comment: The p.C215R variant (also known as c.643T>C), located in coding exon 5 of the CDK4 gene, results from a T to C substitution at nucleotide position 643. The cysteine at codon 215 is replaced by arginine, an amino acid with highly dissimilar properties. This amino acid position is conserved. In addition, this alteration is predicted to be deleterious by in silico analysis. Based on the available evidence, the clinical significance of this alteration remains unclear.

Labcorp Genetics (formerly Invitae), Labcorp
Classification: Uncertain significance for Familial melanoma. Last evaluated: 2018-12-30. Review status: criteria provided, single submitter. Criteria: Invitae Variant Classification Sherloc (09022015). Collection method: clinical testing. Allele origin: germline.
Comment: This sequence change replaces cysteine with arginine at codon 215 of the CDK4 protein (p.Cys215Arg). The cysteine residue is highly conserved and there is a large physicochemical difference between cysteine and arginine. This variant is not present in population databases (ExAC no frequency). This variant has not been reported in the literature in individuals with CDK4-related conditions. Algorithms developed to predict the effect of missense changes on protein structure and function are either unavailable or do not agree on the potential impact of this missense change (SIFT: "Deleterious"; PolyPhen-2: "Benign"; Align-GVGD: "Class C65"). In summary, the available evidence is currently insufficient to determine the role of this variant in disease. Therefore, it has been classified as a Variant of Uncertain Significance.

NM_000075.4(CDK4):c.643T>C (p.Cys215Arg)

Genes: CDK4 (cyclin dependent kinase 4; minus strand), TSPAN31 (tetraspanin 31; plus strand). Cytogenetic location: 12q14.1.
Variant type: single nucleotide variant.
Coding change: c.643T>C on transcript NM_000075.4 (MANE Select); coding-DNA position 643, T replaced by C.
Protein change: p.Cys215Arg; replaces cysteine 215 with arginine.
Molecular consequence: missense variant. On other transcripts: 3 prime UTR variant (3).
Genome position (GRCh38, 1-based): chr12:57,749,494, A>G on the plus strand (T>C on the coding strand, the complement: CDK4 is on the minus strand). VCF-style: chr12-57749494-A-G. GRCh37 (hg19) VCF-style: chr12-58143277-A-G.
Other names: c.*2204A>G (NM_001330168.2, NM_001330169.2, NM_005981.5); short protein forms C215R.
Identifiers: ClinVar variation 647424 (VCV000647424.9), dbSNP rs1595109029, ClinGen allele CA385544216.